The following is an entry in ClinVar:

NM_000891.3(KCNJ2):c.314T>C (p.Leu105Ser)

Gene: KCNJ2 (potassium inwardly rectifying channel subfamily J member 2; plus strand). Cytogenetic location: 17q24.3.
Variant type: single nucleotide variant.
Coding change: c.314T>C on transcript NM_000891.3 (MANE Select); coding-DNA position 314, T replaced by C.
Protein change: p.Leu105Ser; replaces leucine 105 with serine.
Molecular consequence: missense variant.
Genome position (GRCh38, 1-based): chr17:70,175,353, T>C. VCF-style: chr17-70175353-T-C. GRCh37 (hg19) VCF-style: chr17-68171494-T-C.
Other names: short protein forms L105S.
Identifiers: ClinVar variation 5023001 (VCV005023001.1).

ClinVar aggregate classification (germline): Uncertain significance (1 of 4 stars; one submission).

Conditions:
Cardiovascular phenotype. Identifiers: MedGen CN230736.

Submission:

Ambry Genetics
Classification: Uncertain significance for Cardiovascular phenotype. Last evaluated: 2026-08-16. Review status: criteria provided, single submitter. Criteria: Ambry Variant Classification Scheme 2023. Collection method: clinical testing. Allele origin: germline.
Comment: The p.L105S variant (also known as c.314T>C), located in coding exon 1 of the KCNJ2 gene, results from a T to C substitution at nucleotide position 314. The leucine at codon 105 is replaced by serine, an amino acid with dissimilar properties. This amino acid position is conserved. In addition, this alteration is predicted to be deleterious by in silico analysis. Based on the available evidence, the clinical significance of this variant remains unclear.